The following is an entry in ClinVar:

ClinVar aggregate classification (germline): Likely pathogenic (1 of 4 stars; one submission).

Submission:

GeneDx
Classification: Likely pathogenic. Last evaluated: 2025-01-16. Review status: criteria provided, single submitter. Criteria: GeneDx Variant Classification Process June 2021. Collection method: clinical testing. Allele origin: germline.
Comment: Canonical splice site variant in a gene or region of a gene for which loss of function is not a well-established mechanism of disease; Not observed at significant frequency in large population cohorts (gnomAD); Has not been previously published as pathogenic or benign to our knowledge

NM_002539.3(ODC1):c.914-1G>C

Gene: ODC1 (ornithine decarboxylase 1; minus strand). Cytogenetic location: 2p25.1.
Variant type: single nucleotide variant.
Coding change: c.914-1G>C on transcript NM_002539.3 (MANE Select); the canonical splice acceptor site of the intron before coding-DNA position 914, G replaced by C.
Molecular consequence: splice acceptor variant.
Genome position (GRCh38, 1-based): chr2:10,441,930, C>G on the plus strand (G>C on the coding strand, the complement: ODC1 is on the minus strand). VCF-style: chr2-10441930-C-G. GRCh37 (hg19) VCF-style: chr2-10582056-C-G.
Other names: c.527-1G>C (NM_001287188.2); c.914-1G>C (NM_001287190.2, NM_001287189.2).
Identifiers: ClinVar variation 2573723 (VCV002573723.2), dbSNP rs2528566554, ClinGen allele CA345814012.